The following is an entry in ClinVar:

ClinVar aggregate classification (germline): Uncertain significance (1 of 4 stars; one submission).

Conditions:
Combined immunodeficiency due to ZAP70 deficiency (IMD48). Also called: Immunodeficiency 48; ZAP70 Deficiency. Identifiers: Orphanet 911, MedGen C2931299, MONDO:0010023, OMIM 269840.

Allele frequency attached by ClinVar (database versions not stated): gnomAD exomes below 0.00001 and 0.00001; gnomAD 0.00001; TOPMed 0.00001; ExAC 0.00001.
gnomAD v4.1: 5 of 1,613,942 alleles (0.00031%); highest among the groups gnomAD compares: Middle Eastern, 0.016%; no homozygotes.

Submission:

Labcorp Genetics (formerly Invitae), Labcorp
Classification: Uncertain significance for Combined immunodeficiency due to ZAP70 deficiency. Last evaluated: 2020-02-27. Review status: criteria provided, single submitter. Criteria: Invitae Variant Classification Sherloc (09022015). Collection method: clinical testing. Allele origin: germline.
Comment: This sequence change replaces alanine with valine at codon 409 of the ZAP70 protein (p.Ala409Val). The alanine residue is moderately conserved and there is a small physicochemical difference between alanine and valine. This variant is present in population databases (rs780970275, ExAC 0.002%). This variant has not been reported in the literature in individuals with ZAP70-related conditions. Algorithms developed to predict the effect of missense changes on protein structure and function are either unavailable or do not agree on the potential impact of this missense change (SIFT: "Not Available"; PolyPhen-2: "Benign"; Align-GVGD: "Not Available"). In summary, the available evidence is currently insufficient to determine the role of this variant in disease. Therefore, it has been classified as a Variant of Uncertain Significance.

NM_001079.4(ZAP70):c.1226C>T (p.Ala409Val)

Gene: ZAP70 (zeta chain of T cell receptor associated protein kinase 70; plus strand). Cytogenetic location: 2q11.2.
Variant type: single nucleotide variant.
Coding change: c.1226C>T on transcript NM_001079.4 (MANE Select); coding-DNA position 1226, C replaced by T.
Protein change: p.Ala409Val; replaces alanine 409 with valine.
Molecular consequence: missense variant.
Genome position (GRCh38, 1-based): chr2:97,735,393, C>T. VCF-style: chr2-97735393-C-T. GRCh37 (hg19) VCF-style: chr2-98351856-C-T.
Other names: c.1226C>T, p.Ala409Val (NM_001378594.1); c.305C>T, p.Ala102Val (NM_207519.2); short protein forms A102V, A409V.
Identifiers: ClinVar variation 1059439 (VCV001059439.7), dbSNP rs780970275, ClinGen allele CA1790398.